The following is an entry in ClinVar:

NM_000179.3(MSH6):c.1445G>T (p.Arg482Leu)

Gene: MSH6 (mutS homolog 6; plus strand). Cytogenetic location: 2p16.3.
Variant type: single nucleotide variant.
Coding change: c.1445G>T on transcript NM_000179.3 (MANE Select); coding-DNA position 1445, G replaced by T.
Protein change: p.Arg482Leu; replaces arginine 482 with leucine.
Molecular consequence: missense variant.
Genome position (GRCh38, 1-based): chr2:47,799,428, G>T. VCF-style: chr2-47799428-G-T. GRCh37 (hg19) VCF-style: chr2-48026567-G-T.
Other names: c.539G>T, p.Arg180Leu (NM_001281493.2, NM_001281494.2, NM_001406811.1 and 6 more transcripts); c.1541G>T, p.Arg514Leu (NM_001406795.1, NM_001406802.1); c.1445G>T, p.Arg482Leu (NM_001406796.1, NM_001406798.1, NM_001406800.1 and 4 more transcripts); c.1148G>T, p.Arg383Leu (NM_001406797.1, NM_001406805.1, NM_001406801.1 and 10 more transcripts); c.920G>T, p.Arg307Leu (NM_001406799.1, NM_001406807.1, NM_001406806.1); c.1451G>T, p.Arg484Leu (NM_001406813.1); c.1367G>T, p.Arg456Leu (NM_001406804.1); c.1055G>T, p.Arg352Leu (NM_001281492.2); and 1 more; short protein forms R180L, R352L, R426L, R484L, R307L, R456L, R514L, R383L.
Identifiers: ClinVar variation 1958205 (VCV001958205.5), dbSNP rs773226008, ClinGen allele CA346745657.

ClinVar aggregate classification (germline): Uncertain significance (1 of 4 stars; one submission).

Conditions:
Hereditary nonpolyposis colorectal neoplasms. Identifiers: MedGen C0009405, MeSH D003123.

Allele frequency attached by ClinVar (database versions not stated): TOPMed below 0.00001.
gnomAD v4.1: 1 of 1,614,132 alleles (0.000062%); no homozygotes.

Submission:

Labcorp Genetics (formerly Invitae), Labcorp
Classification: Uncertain significance for Hereditary nonpolyposis colorectal neoplasms. Last evaluated: 2024-04-16. Review status: criteria provided, single submitter. Criteria: Invitae Variant Classification Sherloc (09022015). Collection method: clinical testing. Allele origin: germline.
Comment: This sequence change replaces arginine, which is basic and polar, with leucine, which is neutral and non-polar, at codon 482 of the MSH6 protein (p.Arg482Leu). This variant is not present in population databases (gnomAD no frequency). This variant has not been reported in the literature in individuals affected with MSH6-related conditions. ClinVar contains an entry for this variant (Variation ID: 1958205). Advanced modeling of protein sequence and biophysical properties (such as structural, functional, and spatial information, amino acid conservation, physicochemical variation, residue mobility, and thermodynamic stability) has been performed at Invitae for this missense variant, however the output from this modeling did not meet the statistical confidence thresholds required to predict the impact of this variant on MSH6 protein function. In summary, the available evidence is currently insufficient to determine the role of this variant in disease. Therefore, it has been classified as a Variant of Uncertain Significance.